The following is an entry in ClinVar:

ClinVar aggregate classification (germline): Pathogenic/Likely pathogenic. Review status: criteria provided, multiple submitters, no conflicts (2 of 4 stars). 2 submissions from 2 submitters: Pathogenic (1); Likely pathogenic (1). Last evaluated 2023-01-12.

Submissions (2):

GeneDx
Classification: Likely pathogenic. Last evaluated: 2023-01-12. Review status: criteria provided, single submitter. Criteria: GeneDx Variant Classification Process June 2021. Collection method: clinical testing. Allele origin: germline. Affected: yes.
Comment: Nonsense variant predicted to result in protein truncation or nonsense mediated decay in a gene for which loss-of-function is a known mechanism of disease; Not observed in large population cohorts (gnomAD); Has not been previously published as pathogenic or benign to our knowledge

Labcorp Genetics (formerly Invitae), Labcorp
Classification: Pathogenic. Last evaluated: 2022-06-12. Review status: criteria provided, single submitter. Criteria: Invitae Variant Classification Sherloc (09022015). Collection method: clinical testing. Allele origin: germline.
Comment: For these reasons, this variant has been classified as Pathogenic. This variant has not been reported in the literature in individuals affected with MYO3A-related conditions. This variant is present in population databases (no rsID available, gnomAD 0.3%). This sequence change creates a premature translational stop signal (p.Thr26*) in the MYO3A gene. It is expected to result in an absent or disrupted protein product. Loss-of-function variants in MYO3A are known to be pathogenic (PMID: 12032315, 23990876).

Literature cited by the submitters: PubMed 12032315 (cited by Labcorp Genetics (formerly Invitae), Labcorp); PubMed 23990876 (cited by Labcorp Genetics (formerly Invitae), Labcorp).

NM_017433.5(MYO3A):c.76_77delinsTA (p.Thr26Ter)

Gene: MYO3A (myosin IIIA; plus strand). Cytogenetic location: 10p12.1.
Variant type: Indel.
Coding change: c.76_77delinsTA on transcript NM_017433.5 (MANE Select); coding-DNA positions 76 to 77, AC replaced by TA.
Protein change: p.Thr26Ter; replaces threonine 26 with a stop codon.
Molecular consequence: nonsense.
Genome position (GRCh38, 1-based): chr10:25,952,186-25,952,187, AC replaced by TA. VCF-style: chr10-25952186-AC-TA. GRCh37 (hg19) VCF-style: chr10-26241115-AC-TA.
Other names: c.76_77delinsTA, p.Thr26Ter (NM_001368265.1); short protein forms T26*.
Identifiers: ClinVar variation 1878816 (VCV001878816.6), dbSNP rs2491707628, ClinGen allele CA2580081404.
Genomic context (GRCh38, chr10:25,952,186, plus strand): 5'-GGAAAAACAATCATCTTTGATAACTTTCCTGATCCTTCTGATACATGGGAAATCACTGAG[AC>TA]AATTGGCAAAGGAACTTATGGGAAAGTTTTTAAAGTATTGAATAAGAAAAATGGCCAAAA-3'